The following is an entry in ClinVar:

ClinVar aggregate classification (germline): Uncertain significance (1 of 4 stars; one submission).

Conditions:
Familial intrahepatic cholestasis. Identifiers: Orphanet 284385, MedGen CN296401, MONDO:0017290.
Low phospholipid associated cholelithiasis (GBD1). Also called: Gallbladder disease 1; Gallstone cholecystitis. Identifiers: Orphanet 69663, MedGen C2609268, MONDO:0010939, OMIM 600803.

Submission:

Genomenon, Inc
Classification: Uncertain significance for Familial intrahepatic cholestasis; Low phospholipid associated cholelithiasis. Last evaluated: 2026-04-14. Review status: criteria provided, single submitter. Criteria: Genomenon Sequence Variant Interpretation Standards - Updated. Collection method: curation. Allele origin: germline. Affected: no.
Comment: ABCB4 p.Ile162Lys (c.485T>A) is a missense variant that changes the amino acid at residue 162 from Isoleucine to Lysine. This variant has been reported in the published literature (PMID:35150476;31759867;25289076). It is absent or not present at a significant frequency in gnomAD. In silico models predict that this variant is possibly or probably damaging. In conclusion, we classify ABCB4 p.Ile162Lys (c.485T>A) as a variant of uncertain significance.

Literature cited by the submitters: PubMed 35150476; PubMed 31759867; PubMed 25289076.

NM_000443.4(ABCB4):c.485T>A (p.Ile162Lys)

Gene: ABCB4 (ATP binding cassette subfamily B member 4; minus strand). Cytogenetic location: 7q21.12.
Variant type: single nucleotide variant.
Coding change: c.485T>A on transcript NM_000443.4 (MANE Select); coding-DNA position 485, T replaced by A.
Protein change: p.Ile162Lys; replaces isoleucine 162 with lysine.
Molecular consequence: missense variant.
Genome position (GRCh38, 1-based): chr7:87,452,995, A>T on the plus strand (T>A on the coding strand, the complement: ABCB4 is on the minus strand). VCF-style: chr7-87452995-A-T. GRCh37 (hg19) VCF-style: chr7-87082311-A-T.
Other names: c.485T>A, p.Ile162Lys (NM_018849.3, NM_018850.3); short protein forms I162K.
Identifiers: ClinVar variation 4846496 (VCV004846496.1).